The following is an entry in ClinVar:

NM_003835.4(RGS9):c.1933A>G (p.Thr645Ala)

Gene: RGS9 (regulator of G protein signaling 9; plus strand). Cytogenetic location: 17q24.1.
Variant type: single nucleotide variant.
Coding change: c.1933A>G on transcript NM_003835.4 (MANE Select); coding-DNA position 1933, A replaced by G.
Protein change: p.Thr645Ala; replaces threonine 645 with alanine.
Molecular consequence: missense variant.
Genome position (GRCh38, 1-based): chr17:65,227,315, A>G. VCF-style: chr17-65227315-A-G. GRCh37 (hg19) VCF-style: chr17-63223433-A-G.
Other names: c.1924A>G, p.Thr642Ala (NM_001081955.3); short protein forms T642A, T645A.
Identifiers: ClinVar variation 2097499 (VCV002097499.4), dbSNP rs2509456327, ClinGen allele CA400674287.

ClinVar aggregate classification (germline): Uncertain significance (1 of 4 stars; one submission).

Submission:

Labcorp Genetics (formerly Invitae), Labcorp
Classification: Uncertain significance. Last evaluated: 2023-06-13. Review status: criteria provided, single submitter. Criteria: Invitae Variant Classification Sherloc (09022015). Collection method: clinical testing. Allele origin: germline.
Comment: In summary, the available evidence is currently insufficient to determine the role of this variant in disease. Therefore, it has been classified as a Variant of Uncertain Significance. Algorithms developed to predict the effect of missense changes on protein structure and function output the following: SIFT: "Not Available"; PolyPhen-2: "Benign"; Align-GVGD: "Not Available". The alanine amino acid residue is found in multiple mammalian species, which suggests that this missense change does not adversely affect protein function. ClinVar contains an entry for this variant (Variation ID: 2097499). This variant has not been reported in the literature in individuals affected with RGS9-related conditions. This variant is not present in population databases (gnomAD no frequency). This sequence change replaces threonine, which is neutral and polar, with alanine, which is neutral and non-polar, at codon 645 of the RGS9 protein (p.Thr645Ala).